The following is an entry in ClinVar:

ClinVar aggregate classification (germline): Uncertain significance (1 of 4 stars; one submission).

Conditions:
Kabuki syndrome. Also called: Kabuki make-up syndrome; NIIKAWA-KUROKI SYNDROME. Identifiers: Orphanet 2322, MedGen C0796004, MONDO:0016512.

Submission:

Labcorp Genetics (formerly Invitae), Labcorp
Classification: Uncertain significance for Kabuki syndrome. Last evaluated: 2024-08-22. Review status: criteria provided, single submitter. Criteria: Invitae Variant Classification Sherloc (09022015). Collection method: clinical testing. Allele origin: germline.
Comment: This sequence change replaces serine, which is neutral and polar, with threonine, which is neutral and polar, at codon 3696 of the KMT2D protein (p.Ser3696Thr). This variant is not present in population databases (gnomAD no frequency). This variant has not been reported in the literature in individuals affected with KMT2D-related conditions. Invitae Evidence Modeling of protein sequence and biophysical properties (such as structural, functional, and spatial information, amino acid conservation, physicochemical variation, residue mobility, and thermodynamic stability) indicates that this missense variant is not expected to disrupt KMT2D protein function with a negative predictive value of 95%. In summary, the available evidence is currently insufficient to determine the role of this variant in disease. Therefore, it has been classified as a Variant of Uncertain Significance.

NM_003482.4(KMT2D):c.11086T>A (p.Ser3696Thr)

Gene: KMT2D (lysine methyltransferase 2D; minus strand). Cytogenetic location: 12q13.12.
Variant type: single nucleotide variant.
Coding change: c.11086T>A on transcript NM_003482.4 (MANE Select); coding-DNA position 11086, T replaced by A.
Protein change: p.Ser3696Thr; replaces serine 3696 with threonine.
Molecular consequence: missense variant.
Genome position (GRCh38, 1-based): chr12:49,033,619, A>T on the plus strand (T>A on the coding strand, the complement: KMT2D is on the minus strand). VCF-style: chr12-49033619-A-T. GRCh37 (hg19) VCF-style: chr12-49427402-A-T.
Other names: short protein forms S3696T.
Identifiers: ClinVar variation 3631839 (VCV003631839.2).
Genomic context (GRCh38, chr12:49,033,619, plus strand): 5'-AAAGCCTTGAATCAGGTCCGAGGCTTCGAAGAGCAAGGTTGCCAGGGAAGAAGCCCCCTG[A>T]AGGGCCAGCCAGGGATCCAGCCCCACCAGAATGTTGCTGTTGCTGCTGTTGGGCCAGAGC-3'
Protein context (NP_003473.3, residues 3686-3706): SGGAGSLAGP[Ser3696Thr]GGFFPGNLAL